The following is an entry in ClinVar:

ClinVar aggregate classification (germline): Uncertain significance. Review status: criteria provided, multiple submitters, no conflicts (2 of 4 stars). 2 submissions from 2 submitters: Uncertain significance (2). Last evaluated 2023-07-14.

Conditions:
Hereditary cancer-predisposing syndrome. Also called: Neoplastic Syndromes, Hereditary; Tumor predisposition; Hereditary Cancer Syndrome; Hereditary neoplastic syndrome. Identifiers: Orphanet 140162, MedGen C0027672, MeSH D009386, MONDO:0015356.

Allele frequency attached by ClinVar (database versions not stated): TOPMed below 0.00001.

Submissions (2):

Labcorp Genetics (formerly Invitae), Labcorp
Classification: Uncertain significance for Hereditary cancer-predisposing syndrome. Last evaluated: 2023-07-14. Review status: criteria provided, single submitter. Criteria: Invitae Variant Classification Sherloc (09022015). Collection method: clinical testing. Allele origin: germline.
Comment: In summary, the available evidence is currently insufficient to determine the role of this variant in disease. Therefore, it has been classified as a Variant of Uncertain Significance. Advanced modeling of protein sequence and biophysical properties (such as structural, functional, and spatial information, amino acid conservation, physicochemical variation, residue mobility, and thermodynamic stability) performed at Invitae indicates that this missense variant is not expected to disrupt RAD50 protein function. ClinVar contains an entry for this variant (Variation ID: 457388). This variant has not been reported in the literature in individuals affected with RAD50-related conditions. This variant is not present in population databases (gnomAD no frequency). This sequence change replaces asparagine, which is neutral and polar, with threonine, which is neutral and polar, at codon 609 of the RAD50 protein (p.Asn609Thr).

Ambry Genetics
Classification: Uncertain significance for Hereditary cancer-predisposing syndrome. Last evaluated: 2023-06-12. Review status: criteria provided, single submitter. Criteria: Ambry Variant Classification Scheme 2023. Collection method: clinical testing. Allele origin: germline.
Comment: The p.N609T variant (also known as c.1826A>C), located in coding exon 12 of the RAD50 gene, results from an A to C substitution at nucleotide position 1826. The asparagine at codon 609 is replaced by threonine, an amino acid with similar properties. This amino acid position is not well conserved in available vertebrate species. In addition, this alteration is predicted to be tolerated by in silico analysis. Since supporting evidence is limited at this time, the clinical significance of this alteration remains unclear.

NM_005732.4(RAD50):c.1826A>C (p.Asn609Thr)

Gene: RAD50 (RAD50 double strand break repair protein; plus strand). Cytogenetic location: 5q31.1.
Variant type: single nucleotide variant.
Coding change: c.1826A>C on transcript NM_005732.4 (MANE Select); coding-DNA position 1826, A replaced by C.
Protein change: p.Asn609Thr; replaces asparagine 609 with threonine.
Molecular consequence: missense variant.
Genome position (GRCh38, 1-based): chr5:132,594,901, A>C. VCF-style: chr5-132594901-A-C. GRCh37 (hg19) VCF-style: chr5-131930593-A-C.
Other names: short protein forms N609T.
Identifiers: ClinVar variation 457388 (VCV000457388.13), dbSNP rs768404364, ClinGen allele CA360947550.